The following is an entry in ClinVar:

ClinVar aggregate classification (germline): Uncertain significance. Review status: criteria provided, multiple submitters, no conflicts (2 of 4 stars). 2 submissions from 2 submitters: Uncertain significance (2). Last evaluated 2025-05-19.

Conditions:
Inborn genetic diseases. Identifiers: MedGen C0950123, MeSH D030342.

gnomAD v4.1: 42 of 1,613,968 alleles (0.0026%); highest among the groups gnomAD compares: Non-Finnish European, 0.0035%; no homozygotes.

Submissions (2):

Labcorp Genetics (formerly Invitae), Labcorp
Classification: Uncertain significance. Last evaluated: 2025-05-19. Review status: criteria provided, single submitter. Criteria: Invitae Variant Classification Sherloc (09022015). Collection method: clinical testing. Allele origin: germline.
Comment: This sequence change replaces serine, which is neutral and polar, with arginine, which is basic and polar, at codon 883 of the LAMC2 protein (p.Ser883Arg). This variant is present in population databases (rs374661281, gnomAD 0.007%). This variant has not been reported in the literature in individuals affected with LAMC2-related conditions. ClinVar contains an entry for this variant (Variation ID: 3290063). Invitae Evidence Modeling of protein sequence and biophysical properties (such as structural, functional, and spatial information, amino acid conservation, physicochemical variation, residue mobility, and thermodynamic stability) indicates that this missense variant is not expected to disrupt LAMC2 protein function with a negative predictive value of 80%. In summary, the available evidence is currently insufficient to determine the role of this variant in disease. Therefore, it has been classified as a Variant of Uncertain Significance.

Ambry Genetics
Classification: Uncertain significance for Inborn genetic diseases. Last evaluated: 2024-06-07. Review status: criteria provided, single submitter. Criteria: Ambry Variant Classification Scheme 2023. Collection method: clinical testing. Allele origin: germline.

NM_005562.3(LAMC2):c.2649C>A (p.Ser883Arg)

Gene: LAMC2 (laminin subunit gamma 2; plus strand). Cytogenetic location: 1q25.3.
Variant type: single nucleotide variant.
Coding change: c.2649C>A on transcript NM_005562.3 (MANE Select); coding-DNA position 2649, C replaced by A.
Protein change: p.Ser883Arg; replaces serine 883 with arginine.
Molecular consequence: missense variant.
Genome position (GRCh38, 1-based): chr1:183,237,399, C>A. VCF-style: chr1-183237399-C-A. GRCh37 (hg19) VCF-style: chr1-183206534-C-A.
Other names: c.2649C>A, p.Ser883Arg (NM_018891.3); short protein forms S883R.
Identifiers: ClinVar variation 3290063 (VCV003290063.2).